The following is an entry in ClinVar:

NM_014991.6(WDFY3):c.6574+9C>T

Gene: WDFY3 (WD repeat and FYVE domain containing 3; minus strand). Cytogenetic location: 4q21.23.
Variant type: single nucleotide variant.
Coding change: c.6574+9C>T on transcript NM_014991.6 (MANE Select); 9 bases into the intron after coding-DNA position 6574, C replaced by T.
Molecular consequence: intron variant.
Genome position (GRCh38, 1-based): chr4:84,739,001, G>A on the plus strand (C>T on the coding strand, the complement: WDFY3 is on the minus strand). VCF-style: chr4-84739001-G-A. GRCh37 (hg19) VCF-style: chr4-85660154-G-A.
Other names: c.6574+9C>T (NM_014991.4).
Identifiers: ClinVar variation 4967587 (VCV004967587.2).

ClinVar aggregate classification (germline): Likely benign. Review status: criteria provided, multiple submitters, no conflicts (2 of 4 stars). 2 submissions from 2 submitters: Likely benign (2). Last evaluated 2025-05-02.

Conditions:
WDFY3-related disorder.

gnomAD v4.1: 2,301 of 1,612,934 alleles (0.14%); highest among the groups gnomAD compares: Non-Finnish European, 0.16%; 1 homozygote.

Submissions (2):

PreventionGenetics, part of Exact Sciences
Classification: Likely benign for WDFY3-related condition. Last evaluated: 2025-05-02. Review status: criteria provided, single submitter. Criteria: ACMG Guidelines, 2015. Collection method: clinical testing. Allele origin: germline.
Comment: This variant is classified as likely benign based on ACMG/AMP sequence variant interpretation guidelines (Richards et al. 2015 PMID: 25741868, with internal and published modifications).

Blueprint Genetics
Classification: Likely benign. Last evaluated: 2024-11-26. Review status: criteria provided, single submitter. Criteria: ACMG Guidelines, 2015. Collection method: clinical testing. Allele origin: germline.